The following is an entry in ClinVar:

ClinVar aggregate classification (germline): Conflicting classifications of pathogenicity. Review status: criteria provided, conflicting classifications (1 of 4 stars). 2 submissions from 2 submitters: Uncertain significance (1); Likely benign (1). Last evaluated 2024-06-01.

Conditions:
Cutis laxa with severe pulmonary, gastrointestinal and urinary anomalies. Also called: Cutis laxa, autosomal recessive, type IC; URBAN-RIFKIN-DAVIS SYNDROME; LTBP4-Related Cutis Laxa. Identifiers: Orphanet 221145, MedGen C2750804, MONDO:0013170, OMIM 613177. Disease mechanism: loss of function.

Submissions (2):

CeGaT Center for Human Genetics Tuebingen
Classification: Likely benign. Last evaluated: 2024-06-01. Review status: criteria provided, single submitter. Criteria: CeGaT Center For Human Genetics Tuebingen Variant Classification Criteria Version 2. Collection method: clinical testing. Allele origin: germline. Affected: yes. Observed: 1 variant allele.
Comment: LTBP4: BP4

Baylor Genetics
Classification: Uncertain significance for Cutis laxa with severe pulmonary, gastrointestinal and urinary anomalies. Last evaluated: 2022-10-11. Review status: criteria provided, single submitter. Criteria: ACMG Guidelines, 2015. Collection method: clinical testing. Allele origin: unknown.

NM_001042545.2(LTBP4):c.5C>T (p.Ala2Val)

Genes: LTBP4 (latent transforming growth factor beta binding protein 4; plus strand), LOC130064472 (ATAC-STARR-seq lymphoblastoid silent region 10636; plus strand). Cytogenetic location: 19q13.2.
Variant type: single nucleotide variant.
Coding change: c.5C>T on transcript NM_001042545.2 (MANE Select); coding-DNA position 5, C replaced by T.
Protein change: p.Ala2Val; replaces alanine 2 with valine.
Molecular consequence: missense variant. On other transcripts: intron variant (2).
Genome position (GRCh38, 1-based): chr19:40,601,392, C>T. VCF-style: chr19-40601392-C-T. GRCh37 (hg19) VCF-style: chr19-41107298-C-T.
Other names: c.340+1215C>T (NM_003573.2); c.451+1215C>T (NM_001042544.1); short protein forms A2V.
Identifiers: ClinVar variation 2441765 (VCV002441765.19), dbSNP rs763112634, ClinGen allele CA9447979.